The following is an entry in ClinVar:

ClinVar aggregate classification (germline): Uncertain significance. Review status: criteria provided, multiple submitters, no conflicts (2 of 4 stars). 2 submissions from 2 submitters: Uncertain significance (2). Last evaluated 2025-04-28.

Conditions:
Ataxia-telangiectasia syndrome (AT). Also called: Ataxia-telangiectasia, complementation group D; Ataxia telangiectasia (A-T); Cerebello-oculocutaneous telangiectasia; Immunodeficiency with ataxia telangiectasia; ATAXIA-TELANGIECTASIA, COMPLEMENTATION GROUP A; ATAXIA-TELANGIECTASIA, FRESNO VARIANT. Identifiers: Orphanet 100, MedGen C0004135, MONDO:0008840, OMIM 208900.
Hereditary cancer-predisposing syndrome. Also called: Hereditary neoplastic syndrome; Neoplastic Syndromes, Hereditary; Hereditary Cancer Syndrome; Tumor predisposition. Identifiers: Orphanet 140162, MedGen C0027672, MeSH D009386, MONDO:0015356.

Submissions (2):

Ambry Genetics
Classification: Uncertain significance for Hereditary cancer-predisposing syndrome. Last evaluated: 2025-04-28. Review status: criteria provided, single submitter. Criteria: Ambry Variant Classification Scheme 2023. Collection method: clinical testing. Allele origin: germline.
Comment: The c.954_956delGCT variant (also known as p.L319del) is located in coding exon 7 of the ATM gene. This variant results from an in-frame GCT deletion at nucleotide positions 954 to 956. This results in the in-frame deletion of a leucine at codon 319. This amino acid position is highly conserved in available vertebrate species. In addition, the in silico prediction for this alteration is inconclusive (Choi Y et al. PLoS ONE. 2012; 7(10):e46688). Based on the available evidence, the clinical significance of this variant remains unclear.

Labcorp Genetics (formerly Invitae), Labcorp
Classification: Uncertain significance for Ataxia-telangiectasia syndrome. Last evaluated: 2021-11-14. Review status: criteria provided, single submitter. Criteria: Invitae Variant Classification Sherloc (09022015). Collection method: clinical testing. Allele origin: germline.
Comment: This variant, c.954_956del, results in the deletion of 1 amino acid(s) of the ATM protein (p.Leu319del), but otherwise preserves the integrity of the reading frame. This variant is not present in population databases (gnomAD no frequency). This variant has not been reported in the literature in individuals affected with ATM-related conditions. Experimental studies and prediction algorithms are not available or were not evaluated, and the functional significance of this variant is currently unknown. In summary, the available evidence is currently insufficient to determine the role of this variant in disease. Therefore, it has been classified as a Variant of Uncertain Significance.

NM_000051.4(ATM):c.954_956del (p.Leu319del)

Gene: ATM (ATM serine/threonine kinase; plus strand). Cytogenetic location: 11q22.3.
Variant type: Deletion.
Coding change: c.954_956del on transcript NM_000051.4 (MANE Select); coding-DNA positions 954 to 956, 3 bases deleted (GCT; older notation c.954_956delGCT).
Protein change: p.Leu319del; deletes leucine 319.
Molecular consequence: inframe deletion.
Genome position (GRCh38, 1-based): chr11:108,247,016-108,247,018, GCT deleted; deleting any 3 consecutive bases within chr11:108,247,014-108,247,018 gives the same sequence; the c. name uses the placement nearest the transcript's 3' end. VCF-style (leftmost placement, unchanged base first): chr11-108247013-TCTG-T. GRCh37 (hg19) VCF-style: chr11-108117740-TCTG-T.
Other names: c.954_956del, p.Leu319del (NM_001351834.2); c.954_956delGCT (NM_000051.3); short protein forms L319del.
Identifiers: ClinVar variation 1393301 (VCV001393301.7), dbSNP rs2135266014, ClinGen allele CA2573146402.
Genomic context (GRCh38, chr11:108,247,013, plus strand): 5'-TTGGATTACAGGTGCTTATGAATCAACAAAATGGAGAAGTATTTTATACAACTTATATGA[TCTG>T]CTAGTGAATGAGATAAGTCATATAGGAAGTAGAGGAAAGTATTCTTCAGGATTTCGTAAT-3'